The following is an entry in ClinVar:

NM_014874.4(MFN2):c.1151G>C (p.Arg384Pro)

Gene: MFN2 (mitofusin 2; plus strand). Cytogenetic location: 1p36.22.
Variant type: single nucleotide variant.
Coding change: c.1151G>C on transcript NM_014874.4 (MANE Select); coding-DNA position 1151, G replaced by C.
Protein change: p.Arg384Pro; replaces arginine 384 with proline.
Molecular consequence: missense variant.
Genome position (GRCh38, 1-based): chr1:12,002,094, G>C. VCF-style: chr1-12002094-G-C. GRCh37 (hg19) VCF-style: chr1-12062151-G-C.
Other names: c.1151G>C, p.Arg384Pro (NM_001127660.2); short protein forms R384P.
Identifiers: ClinVar variation 2461791 (VCV002461791.4), dbSNP rs565042936, ClinGen allele CA338443390.
Genomic context (GRCh38, chr1:12,002,094, plus strand): 5'-GGGCCAAGCAGATTGCAGAGGCGGTTCGACTCATCATGGACTCCCTGCACATGGCGGCTC[G>C]GGAGCAGCAGTAAGAGTCCAAGACTGCAGATAGGTGGAGAGAGCTGCCGAGACAAGGGTG-3'
Protein context (NP_055689.1, residues 374-394): LIMDSLHMAA[Arg384Pro]EQQVYCEEMR

ClinVar aggregate classification (germline): Uncertain significance. Review status: criteria provided, multiple submitters, no conflicts (2 of 4 stars). 2 submissions from 2 submitters: Uncertain significance (2). Last evaluated 2025-04-01.

Conditions:
Charcot-Marie-Tooth disease type 2. Also called: Charcot-Marie-Tooth type 2. Identifiers: Orphanet 64746, MedGen C0270914, MONDO:0018993.
Inborn genetic diseases. Identifiers: MedGen C0950123, MeSH D030342.

gnomAD v4.1: 3 of 1,614,208 alleles (0.00019%); highest among the groups gnomAD compares: Non-Finnish European, 0.00025%; no homozygotes.

Submissions (2):

Labcorp Genetics (formerly Invitae), Labcorp
Classification: Uncertain significance for Charcot-Marie-Tooth disease type 2. Last evaluated: 2025-04-01. Review status: criteria provided, single submitter. Criteria: Invitae Variant Classification Sherloc (09022015). Collection method: clinical testing. Allele origin: germline.
Comment: This sequence change replaces arginine, which is basic and polar, with proline, which is neutral and non-polar, at codon 384 of the MFN2 protein (p.Arg384Pro). This variant is not present in population databases (gnomAD no frequency). This variant has not been reported in the literature in individuals affected with MFN2-related conditions. ClinVar contains an entry for this variant (Variation ID: 2461791). Invitae Evidence Modeling of protein sequence and biophysical properties (such as structural, functional, and spatial information, amino acid conservation, physicochemical variation, residue mobility, and thermodynamic stability) has been performed for this missense variant. However, the output from this modeling did not meet the statistical confidence thresholds required to predict the impact of this variant on MFN2 protein function. In summary, the available evidence is currently insufficient to determine the role of this variant in disease. Therefore, it has been classified as a Variant of Uncertain Significance.

Ambry Genetics
Classification: Uncertain significance for Inborn genetic diseases. Last evaluated: 2023-03-06. Review status: criteria provided, single submitter. Criteria: Ambry Variant Classification Scheme 2023. Collection method: clinical testing. Allele origin: germline.